The following is an entry in ClinVar:

ClinVar aggregate classification (germline): Likely benign (1 of 4 stars; one submission).

Allele frequency attached by ClinVar (database versions not stated): 1000 Genomes Project 30x 0.00047; 1000 Genomes Project 0.00060; ESP Exome Variant Server 0.00119; gnomAD 0.00138; ExAC 0.00139.

Submission:

CeGaT Center for Human Genetics Tuebingen
Classification: Likely benign. Last evaluated: 2022-11-01. Review status: criteria provided, single submitter. Criteria: CeGaT Center For Human Genetics Tuebingen Variant Classification Criteria Version 2. Collection method: clinical testing. Allele origin: germline. Affected: yes. Observed: 1 variant allele.
Comment: PCDHB8: BP4, BP7

NM_019120.5(PCDHB8):c.1728G>A (p.Leu576=)

Genes: PCDHB8 (protocadherin beta 8; plus strand), PCDHB@ (protocadherin beta cluster; plus strand). Cytogenetic location: 5q31.3.
Variant type: single nucleotide variant.
Coding change: c.1728G>A on transcript NM_019120.5 (MANE Select); coding-DNA position 1728, G replaced by A.
Protein change: p.Leu576=; no amino-acid change (leucine 576 retained).
Molecular consequence: synonymous variant.
Genome position (GRCh38, 1-based): chr5:141,179,762, G>A. VCF-style: chr5-141179762-G-A. GRCh37 (hg19) VCF-style: chr5-140559343-G-A.
Identifiers: ClinVar variation 2655817 (VCV002655817.24), dbSNP rs201726568, ClinGen allele CA3459779.